The following is an entry in ClinVar:

ClinVar aggregate classification (germline): Uncertain significance. Review status: criteria provided, multiple submitters, no conflicts (2 of 4 stars). 2 submissions from 2 submitters: Uncertain significance (2). Last evaluated 2025-09-01.

Conditions:
Inborn genetic diseases. Identifiers: MedGen C0950123, MeSH D030342.

gnomAD v4.1: 1 of 1,596,176 alleles (0.000063%); highest among the groups gnomAD compares: Admixed American, 0.0017%; no homozygotes.

Submissions (2):

Ambry Genetics
Classification: Uncertain significance for Inborn genetic diseases. Last evaluated: 2025-09-01. Review status: criteria provided, single submitter. Criteria: Ambry Variant Classification Scheme 2023. Collection method: clinical testing. Allele origin: germline.

Labcorp Genetics (formerly Invitae), Labcorp
Classification: Uncertain significance. Last evaluated: 2025-05-25. Review status: criteria provided, single submitter. Criteria: Invitae Variant Classification Sherloc (09022015). Collection method: clinical testing. Allele origin: germline.
Comment: This sequence change replaces histidine, which is basic and polar, with aspartic acid, which is acidic and polar, at codon 84 of the SLC46A1 protein (p.His84Asp). This variant is present in population databases (no rsID available, gnomAD 0.003%). This variant has not been reported in the literature in individuals affected with SLC46A1-related conditions. Invitae Evidence Modeling of protein sequence and biophysical properties (such as structural, functional, and spatial information, amino acid conservation, physicochemical variation, residue mobility, and thermodynamic stability) indicates that this missense variant is not expected to disrupt SLC46A1 protein function with a negative predictive value of 80%. In summary, the available evidence is currently insufficient to determine the role of this variant in disease. Therefore, it has been classified as a Variant of Uncertain Significance.

NM_080669.6(SLC46A1):c.250C>G (p.His84Asp)

Gene: SLC46A1 (solute carrier family 46 member 1; minus strand). Cytogenetic location: 17q11.2.
Variant type: single nucleotide variant.
Coding change: c.250C>G on transcript NM_080669.6 (MANE Select); coding-DNA position 250, C replaced by G.
Protein change: p.His84Asp; replaces histidine 84 with aspartic acid.
Molecular consequence: missense variant.
Genome position (GRCh38, 1-based): chr17:28,405,447, G>C on the plus strand (C>G on the coding strand, the complement: SLC46A1 is on the minus strand). VCF-style: chr17-28405447-G-C. GRCh37 (hg19) VCF-style: chr17-26732465-G-C.
Other names: c.250C>G, p.His84Asp (NM_001242366.3); short protein forms H84D.
Identifiers: ClinVar variation 4168463 (VCV004168463.2).